The following is an entry in ClinVar:

NM_001145358.2(SIN3A):c.1954C>A (p.Arg652Ser)

Gene: SIN3A (SIN3 transcription regulator family member A; minus strand). Cytogenetic location: 15q24.2.
Variant type: single nucleotide variant.
Coding change: c.1954C>A on transcript NM_001145358.2 (MANE Select); coding-DNA position 1954, C replaced by A.
Protein change: p.Arg652Ser; replaces arginine 652 with serine.
Molecular consequence: missense variant.
Genome position (GRCh38, 1-based): chr15:75,396,397, G>T on the plus strand (C>A on the coding strand, the complement: SIN3A is on the minus strand). VCF-style: chr15-75396397-G-T. GRCh37 (hg19) VCF-style: chr15-75688738-G-T.
Other names: c.1954C>A, p.Arg652Ser (NM_001145357.2, NM_015477.3); short protein forms R652S.
Identifiers: ClinVar variation 2016752 (VCV002016752.4), dbSNP rs2542611340, ClinGen allele CA393495387.

ClinVar aggregate classification (germline): Uncertain significance (1 of 4 stars; one submission).

Submission:

Labcorp Genetics (formerly Invitae), Labcorp
Classification: Uncertain significance. Last evaluated: 2023-12-06. Review status: criteria provided, single submitter. Criteria: Invitae Variant Classification Sherloc (09022015). Collection method: clinical testing. Allele origin: germline.
Comment: This sequence change replaces arginine, which is basic and polar, with serine, which is neutral and polar, at codon 652 of the SIN3A protein (p.Arg652Ser). This variant is not present in population databases (gnomAD no frequency). This variant has not been reported in the literature in individuals affected with SIN3A-related conditions. ClinVar contains an entry for this variant (Variation ID: 2016752). Advanced modeling of protein sequence and biophysical properties (such as structural, functional, and spatial information, amino acid conservation, physicochemical variation, residue mobility, and thermodynamic stability) performed at Invitae indicates that this missense variant is not expected to disrupt SIN3A protein function with a negative predictive value of 80%. In summary, the available evidence is currently insufficient to determine the role of this variant in disease. Therefore, it has been classified as a Variant of Uncertain Significance.